The following is an entry in ClinVar:

NM_002473.6(MYH9):c.3682G>A (p.Glu1228Lys)

Gene: MYH9 (myosin heavy chain 9; minus strand). Cytogenetic location: 22q12.3.
Variant type: single nucleotide variant.
Coding change: c.3682G>A on transcript NM_002473.6 (MANE Select); coding-DNA position 3682, G replaced by A.
Protein change: p.Glu1228Lys; replaces glutamic acid 1228 with lysine.
Molecular consequence: missense variant.
Genome position (GRCh38, 1-based): chr22:36,294,247, C>T on the plus strand (G>A on the coding strand, the complement: MYH9 is on the minus strand). VCF-style: chr22-36294247-C-T. GRCh37 (hg19) VCF-style: chr22-36690293-C-T.
Other names: short protein forms E1228K.
Identifiers: ClinVar variation 590927 (VCV000590927.7), dbSNP rs746956415, ClinGen allele CA10209592.
Genomic context (GRCh38, chr22:36,294,247, plus strand): 5'-TGCGCTTGTGCTCCGAGTCCCCTTTGCCCTGCAGCAGCACCTTCACCTCGTTGGCCAGCT[C>T]CCCCCGCTCGTTCTCCAGAGTCTGCTTTGCCTTCTCGAGGTTTGCTTTCACCTAGCAGGG-3'
Protein context (NP_002464.1, residues 1218-1238): AKQTLENERG[Glu1228Lys]LANEVKVLLQ

ClinVar aggregate classification (germline): Conflicting classifications of pathogenicity. Review status: criteria provided, conflicting classifications (1 of 4 stars). 5 submissions from 5 submitters: Uncertain significance (2); Likely benign (1). 2 of the submissions do not count toward it. Last evaluated 2026-09-09.

Conditions:
MYH9-related disorder. Identifiers: MedGen C1854520.
Hearing impairment. Also called: Impaired Hearing. Identifiers: MedGen C1384666, MONDO:0005365, HP:0000365.

Allele frequency attached by ClinVar (database versions not stated): gnomAD exomes 0.00001; TOPMed 0.00001; ExAC 0.00002.
gnomAD v4.1: 11 of 1,613,998 alleles (0.00068%); highest among the groups gnomAD compares: Non-Finnish European, 0.00093%; no homozygotes.

Submissions (5):

PreventionGenetics, part of Exact Sciences
Classification: Uncertain significance for MYH9-related condition. Last evaluated: 2026-09-09. Review status: criteria provided, single submitter. Criteria: ACMG Guidelines, 2015. Collection method: clinical testing. Allele origin: germline.
Comment: The MYH9 c.3682G>A variant is predicted to result in the amino acid substitution p.Glu1228Lys. This variant was reported in two related individuals with hearing loss (Schrauwen et al. 2019. PubMed ID: 30872814). This variant is reported in 0.0018% of alleles in individuals of European (Non-Finnish) descent in gnomAD. At this time, the clinical significance of this variant is uncertain due to the absence of conclusive functional and genetic evidence.

Blueprint Genetics
Classification: Uncertain significance. Last evaluated: 2023-09-01. Review status: criteria provided, single submitter. Criteria: ACMG Guidelines, 2015. Collection method: clinical testing. Allele origin: germline.

Labcorp Genetics (formerly Invitae), Labcorp
Classification: Likely benign. Last evaluated: 2023-02-28. Review status: criteria provided, single submitter. Criteria: Invitae Variant Classification Sherloc (09022015). Collection method: clinical testing. Allele origin: germline.

Center for Statistical Genetics, Columbia University
Classification: Uncertain significance for Hearing impairment. Last evaluated: 2018-10-08. Review status: no assertion criteria provided. Collection method: research. Allele origin: germline. Affected: yes. Not counted in ClinVar's aggregate classification.

University of Washington Center for Mendelian Genomics, University of Washington
Classification: Uncertain significance for Hearing impairment. Review status: no assertion criteria provided. Collection method: research. Allele origin: inherited. Affected: yes. Not counted in ClinVar's aggregate classification.

Literature cited by the submitters: PubMed 30872814 (cited by University of Washington Center for Mendelian Genomics, University of Washington).